The following is an entry in ClinVar:

ClinVar aggregate classification (germline): Uncertain significance. Review status: criteria provided, multiple submitters, no conflicts (2 of 4 stars). 2 submissions from 2 submitters: Uncertain significance (2). Last evaluated 2025-07-03.

Conditions:
RASopathy. Also called: Noonan spectrum disorder; rasopathies. Identifiers: Orphanet 536391, MedGen C5555857, MONDO:0021060.

Allele frequency attached by ClinVar (database versions not stated): gnomAD exomes below 0.00001.
gnomAD v4.1: 4 of 1,609,988 alleles (0.00025%); highest among the groups gnomAD compares: Admixed American, 0.005%; no homozygotes.

Submissions (2):

Labcorp Genetics (formerly Invitae), Labcorp
Classification: Uncertain significance for RASopathy. Last evaluated: 2025-07-03. Review status: criteria provided, single submitter. Criteria: Invitae Variant Classification Sherloc (09022015). Collection method: clinical testing. Allele origin: germline.
Comment: This sequence change falls in intron 5 of the MAP2K1 gene. It does not directly change the encoded amino acid sequence of the MAP2K1 protein. It affects a nucleotide within the consensus splice site. This variant is present in population databases (no rsID available, gnomAD 0.003%). This variant has not been reported in the literature in individuals affected with MAP2K1-related conditions. ClinVar contains an entry for this variant (Variation ID: 632879). Variants that disrupt the consensus splice site are a relatively common cause of aberrant splicing (PMID: 17576681, 9536098). Algorithms developed to predict the effect of sequence changes on RNA splicing suggest that this variant is not likely to affect RNA splicing. In summary, the available evidence is currently insufficient to determine the role of this variant in disease. Therefore, it has been classified as a Variant of Uncertain Significance.

Women's Health and Genetics/Laboratory Corporation of America, LabCorp
Classification: Uncertain significance. Last evaluated: 2017-10-02. Review status: criteria provided, single submitter. Criteria: LabCorp Variant Classification Summary - May 2015. Collection method: clinical testing. Allele origin: germline.
Comment: Variant summary: The MAP2K1 c.568+6A>G variant involves the alteration of a non-conserved intronic nucleotide and 5/5 splice prediction tools predict no significant impact on normal splicing. However, these predictions have yet to be confirmed by functional studies. This variant was observed in 1/246212 control chromosomes (gnomAD). The variant of interest has not, to our knowledge, been reported in affected individuals via publications and/or reputable databases/clinical diagnostic laboratories. Because of the absence of clinical information and the lack of functional studies, the variant is classified as a "Variant of Uncertain Significance (VUS), until additional information becomes available.

Literature cited by the submitters: PubMed 17576681 (cited by Labcorp Genetics (formerly Invitae), Labcorp); PubMed 9536098 (cited by Labcorp Genetics (formerly Invitae), Labcorp).

NM_002755.4(MAP2K1):c.568+6A>G

Gene: MAP2K1 (mitogen-activated protein kinase kinase 1; plus strand). Cytogenetic location: 15q22.31.
Variant type: single nucleotide variant.
Coding change: c.568+6A>G on transcript NM_002755.4 (MANE Select); 6 bases into the intron after coding-DNA position 568, A replaced by G.
Molecular consequence: intron variant.
Genome position (GRCh38, 1-based): chr15:66,444,713, A>G. VCF-style: chr15-66444713-A-G. GRCh37 (hg19) VCF-style: chr15-66737051-A-G.
Identifiers: ClinVar variation 632879 (VCV000632879.6), dbSNP rs1430324310, ClinGen allele CA618674122.